The following is an entry in ClinVar:

ClinVar aggregate classification (germline): Benign. Review status: criteria provided, multiple submitters, no conflicts (2 of 4 stars). 3 submissions from 3 submitters: Benign (2). 1 of the submissions does not count toward it. Last evaluated 2026-01-27.

Conditions:
LRRK1-related disorder. Also called: LRRK1-related condition.

Allele frequency attached by ClinVar (database versions not stated): gnomAD 0.04523 and 0.04864; ESP Exome Variant Server 0.04953; ExAC 0.01452; 1000 Genomes Project 30x 0.04560; 1000 Genomes Project 0.04473; gnomAD exomes 0.00481 and 0.01188; TOPMed 0.05081.
gnomAD v4.1: 14,231 of 1,614,102 alleles (0.88%); highest among the groups gnomAD compares: African/African-American, 16%; 922 homozygotes.

Submissions (3):

Labcorp Genetics (formerly Invitae), Labcorp
Classification: Benign. Last evaluated: 2026-01-27. Review status: criteria provided, single submitter. Criteria: Invitae Variant Classification Sherloc (09022015). Collection method: clinical testing. Allele origin: germline.

Breakthrough Genomics
Classification: Benign. Review status: criteria provided, single submitter. Criteria: ACMG Guidelines, 2015. Collection method: not provided. Allele origin: germline. Inheritance: Autosomal recessive inheritance. Affected: yes.

PreventionGenetics, part of Exact Sciences
Classification: Benign for LRRK1-related condition. Last evaluated: 2019-03-25. Review status: no assertion criteria provided. Collection method: clinical testing. Allele origin: germline. Not counted in ClinVar's aggregate classification.
Comment: This variant is classified as benign based on ACMG/AMP sequence variant interpretation guidelines (Richards et al. 2015 PMID: 25741868, with internal and published modifications).

NM_024652.6(LRRK1):c.5652C>T (p.Pro1884=)

Genes: LRRK1 (leucine rich repeat kinase 1; plus strand), LRRK1-AS1 (LRRK1 antisense RNA 1; minus strand). Cytogenetic location: 15q26.3.
Variant type: single nucleotide variant.
Coding change: c.5652C>T on transcript NM_024652.6 (MANE Select); coding-DNA position 5652, C replaced by T.
Protein change: p.Pro1884=; no amino-acid change (proline 1884 retained).
Molecular consequence: synonymous variant.
Genome position (GRCh38, 1-based): chr15:101,066,089, C>T. VCF-style: chr15-101066089-C-T. GRCh37 (hg19) VCF-style: chr15-101606294-C-T.
Other names: c.5652C>T (NM_024652.5).
Identifiers: ClinVar variation 1548827 (VCV001548827.11), dbSNP rs17161161, ClinGen allele CA7762191.